The following is an entry in ClinVar:

ClinVar aggregate classification (germline): Uncertain significance (1 of 4 stars; one submission).

Submission:

ISCA site 4
Classification: Uncertain significance. Last evaluated: 2011-08-12. Review status: criteria provided, single submitter. Criteria: Kaminsky et al. (Genet Med. 2011). Collection method: clinical testing. Allele origin: unknown. Affected: yes. Observed: 1 variant allele.
Comment: Copy number variation identified through the course of routine clinical cytogenomic testing in postnatal populations. Clinical assertions have been curated as described in Kaminsky et al. 2011.

GRCh38/hg38 3p25.3(chr3:9221810-9727021)x3

Genes: CPNE9 (copine family member 9; plus strand), LHFPL4 (LHFPL tetraspan subfamily member 4; minus strand), MTMR14 (myotubularin related protein 14; plus strand), SETD5 (SET domain containing 5; plus strand), SRGAP3 (SLIT-ROBO Rho GTPase activating protein 3; minus strand) and 16 more. Cytogenetic location: 3p25.3.
Variant type: copy number gain.
Change: copy number 3 (three copies instead of two) of chr3:9,221,810-9,727,021 (505.2 kb, GRCh38 coordinates, 1-based), cytogenetic band 3p25.3.
Identifiers: ClinVar variation 57199 (VCV000057199.1).